The following is an entry in ClinVar:

NM_014425.5(INVS):c.1099T>C (p.Ser367Pro)

Gene: INVS (inversin; plus strand). Cytogenetic location: 9q31.1.
Variant type: single nucleotide variant.
Coding change: c.1099T>C on transcript NM_014425.5 (MANE Select); coding-DNA position 1099, T replaced by C.
Protein change: p.Ser367Pro; replaces serine 367 with proline.
Molecular consequence: missense variant. On other transcripts: non-coding transcript variant (1).
Genome position (GRCh38, 1-based): chr9:100,252,303, T>C. VCF-style: chr9-100252303-T-C. GRCh37 (hg19) VCF-style: chr9-103014585-T-C.
Other names: c.811T>C, p.Ser271Pro (NM_001318381.2); c.121T>C, p.Ser41Pro (NM_001318382.2); short protein forms S41P, S271P, S367P.
Identifiers: ClinVar variation 2185684 (VCV002185684.1), dbSNP rs763013060, ClinGen allele CA5158327.

ClinVar aggregate classification (germline): Uncertain significance (1 of 4 stars; one submission).

Conditions:
Nephronophthisis. Also called: Juvenile Nephronophthisis. Identifiers: Orphanet 655, MedGen C0687120, MONDO:0019005, HP:0000090.

Allele frequency attached by ClinVar (database versions not stated): gnomAD exomes 0.00001; ExAC 0.00002.
gnomAD v4.1: 4 of 1,614,108 alleles (0.00025%); highest among the groups gnomAD compares: South Asian, 0.0044%; no homozygotes.

Submission:

Labcorp Genetics (formerly Invitae), Labcorp
Classification: Uncertain significance for Nephronophthisis. Last evaluated: 2022-10-13. Review status: criteria provided, single submitter. Criteria: Invitae Variant Classification Sherloc (09022015). Collection method: clinical testing. Allele origin: germline.
Comment: This sequence change replaces serine, which is neutral and polar, with proline, which is neutral and non-polar, at codon 367 of the INVS protein (p.Ser367Pro). This variant is present in population databases (rs763013060, gnomAD 0.01%). This variant has not been reported in the literature in individuals affected with INVS-related conditions. Algorithms developed to predict the effect of missense changes on protein structure and function (SIFT, PolyPhen-2, Align-GVGD) all suggest that this variant is likely to be disruptive. In summary, the available evidence is currently insufficient to determine the role of this variant in disease. Therefore, it has been classified as a Variant of Uncertain Significance.